The following is an entry in ClinVar:

NM_177965.4(CFAP418):c.76A>G (p.Met26Val)

Genes: CFAP418 (cilia and flagella associated protein 418; minus strand), CFAP418-AS1 (CFAP418 antisense RNA 1; plus strand), LOC130000784 (ATAC-STARR-seq lymphoblastoid active region 27655; plus strand). Cytogenetic location: 8q22.1.
Variant type: single nucleotide variant.
Coding change: c.76A>G on transcript NM_177965.4 (MANE Select); coding-DNA position 76, A replaced by G.
Protein change: p.Met26Val; replaces methionine 26 with valine.
Molecular consequence: missense variant.
Genome position (GRCh38, 1-based): chr8:95,269,114, T>C on the plus strand (A>G on the coding strand, the complement: CFAP418 is on the minus strand). VCF-style: chr8-95269114-T-C. GRCh37 (hg19) VCF-style: chr8-96281342-T-C.
Other names: c.76A>G, p.Met26Val (NM_001363260.1); short protein forms M26V.
Identifiers: ClinVar variation 4990358 (VCV004990358.1).

ClinVar aggregate classification (germline): Uncertain significance (1 of 4 stars; one submission).

Conditions:
CFAP418-related disorder. Also called: CFAP418-related condition.

gnomAD v4.1: 1 of 1,613,828 alleles (0.000062%); highest among the groups gnomAD compares: South Asian, 0.0011%; no homozygotes.

Submission:

PreventionGenetics, part of Exact Sciences
Classification: Uncertain significance for CFAP418-related condition. Last evaluated: 2026-02-16. Review status: criteria provided, single submitter. Criteria: ACMG Guidelines, 2015. Collection method: clinical testing. Allele origin: germline.
Comment: The CFAP418 c.76A>G variant is predicted to result in the amino acid substitution p.Met26Val. To our knowledge, this variant has not been reported in the literature or in a large population database (gnomAD), indicating this variant is rare. At this time, the clinical significance of this variant is uncertain due to the absence of conclusive functional and genetic evidence.